The following is an entry in ClinVar:

ClinVar aggregate classification (germline): Uncertain significance. Review status: criteria provided, multiple submitters, no conflicts (2 of 4 stars). 2 submissions from 2 submitters: Uncertain significance (2). Last evaluated 2025-06-12.

Conditions:
Inborn genetic diseases. Identifiers: MedGen C0950123, MeSH D030342.

Submissions (2):

Labcorp Genetics (formerly Invitae), Labcorp
Classification: Uncertain significance. Last evaluated: 2025-06-12. Review status: criteria provided, single submitter. Criteria: Invitae Variant Classification Sherloc (09022015). Collection method: clinical testing. Allele origin: germline.
Comment: This sequence change replaces proline, which is neutral and non-polar, with serine, which is neutral and polar, at codon 58 of the FOXC2 protein (p.Pro58Ser). This variant is present in population databases (rs140209790, gnomAD 0.02%). This variant has not been reported in the literature in individuals affected with FOXC2-related conditions. ClinVar contains an entry for this variant (Variation ID: 3516606). An algorithm developed to predict the effect of missense changes on protein structure and function (PolyPhen-2) suggests that this variant is likely to be disruptive. In summary, the available evidence is currently insufficient to determine the role of this variant in disease. Therefore, it has been classified as a Variant of Uncertain Significance.

Ambry Genetics
Classification: Uncertain significance for Inborn genetic diseases. Last evaluated: 2024-09-10. Review status: criteria provided, single submitter. Criteria: Ambry Variant Classification Scheme 2023. Collection method: clinical testing. Allele origin: germline.

NM_005251.3(FOXC2):c.172C>T (p.Pro58Ser)

Genes: FOXC2 (forkhead box C2; plus strand), FOXC2-AS1 (FOXC2 antisense RNA 1; minus strand). Cytogenetic location: 16q24.1.
Variant type: single nucleotide variant.
Coding change: c.172C>T on transcript NM_005251.3 (MANE Select); coding-DNA position 172, C replaced by T.
Protein change: p.Pro58Ser; replaces proline 58 with serine.
Molecular consequence: missense variant.
Genome position (GRCh38, 1-based): chr16:86,567,507, C>T. VCF-style: chr16-86567507-C-T. GRCh37 (hg19) VCF-style: chr16-86601113-C-T.
Other names: short protein forms P58S.
Identifiers: ClinVar variation 3516606 (VCV003516606.2).
Genomic context (GRCh38, chr16:86,567,507, plus strand): 5'-ATGGGCGTCTATTCCGGCCACCCGGAGCAGTACAGCGCGGGGATGGGCCGCTCCTACGCG[C>T]CCTACCACCACCACCAGCCCGCGGCGCCTAAGGACCTGGTGAAGCCGCCCTACAGCTACA-3'
Protein context (NP_005242.1, residues 48-68): YSAGMGRSYA[Pro58Ser]YHHHQPAAPK